The following is an entry in ClinVar:

ClinVar aggregate classification (germline): Likely benign. Review status: criteria provided, multiple submitters, no conflicts (2 of 4 stars). 4 submissions from 4 submitters: Likely benign (3). 1 of the submissions does not count toward it. Last evaluated 2025-11-23.

Conditions:
Meckel-Gruber syndrome. Also called: DYSENCEPHALIA SPLANCHNOCYSTICA; GRUBER SYNDROME; Dysencephalia splachnocystica. Identifiers: Orphanet 564, MedGen C0265215, MONDO:0018921.
Nephronophthisis. Also called: Juvenile Nephronophthisis. Identifiers: Orphanet 655, MedGen C0687120, MONDO:0019005, HP:0000090.
Joubert syndrome. Also called: CEREBELLOPARENCHYMAL DISORDER IV; JOUBERT-BOLTSHAUSER SYNDROME; Familial aplasia of the vermis. Identifiers: Orphanet 475, MedGen C5979921, MONDO:0018772.
CEP290-related disorder. Also called: CEP290-related condition; CEP290-related disorders. Identifiers: MedGen CN239314.
Senior-Loken syndrome 6 (SLSN6). Identifiers: Orphanet 3156, MedGen C1857779, MONDO:0012433, OMIM 610189.
Leber congenital amaurosis 10 (LCA10). Identifiers: Orphanet 65, MedGen C1857821, MONDO:0012723, OMIM 611755.
Bardet-Biedl syndrome 14 (BBS14). Identifiers: Orphanet 110, MedGen C2673874, MONDO:0014442, OMIM 615991.
Meckel syndrome, type 4 (MKS4). Also called: MECKEL-GRUBER SYNDROME, TYPE 4. Identifiers: Orphanet 564, MedGen C1970161, MONDO:0012626, OMIM 611134.
Joubert syndrome 5 (JBTS5). Identifiers: Orphanet 2318, MedGen C1857780, MONDO:0012432, OMIM 610188.

Allele frequency attached by ClinVar (database versions not stated): gnomAD exomes 0.00001 and 0.00002; ExAC 0.00004; TOPMed 0.00005; gnomAD 0.00006 and 0.00007; 1000 Genomes Project 30x 0.00016; 1000 Genomes Project 0.00020.
gnomAD v4.1: 25 of 1,542,230 alleles (0.0016%); highest among the groups gnomAD compares: African/African-American, 0.033%; no homozygotes.

Submissions (4):

Labcorp Genetics (formerly Invitae), Labcorp
Classification: Likely benign for Joubert syndrome; Meckel-Gruber syndrome; Nephronophthisis. Last evaluated: 2025-11-23. Review status: criteria provided, single submitter. Criteria: Invitae Variant Classification Sherloc (09022015). Collection method: clinical testing. Allele origin: germline.

Fulgent Genetics
Classification: Likely benign for Joubert syndrome 5; Senior-Loken syndrome 6; Meckel syndrome, type 4; Leber congenital amaurosis 10; Bardet-Biedl syndrome 14. Last evaluated: 2022-02-03. Review status: criteria provided, single submitter. Criteria: ACMG Guidelines, 2015. Collection method: clinical testing. Allele origin: unknown.

ARUP Laboratories, Molecular Genetics and Genomics, ARUP Laboratories
Classification: Likely benign. Last evaluated: 2018-12-12. Review status: criteria provided, single submitter. Criteria: ARUP Molecular Germline Variant Investigation Process. Collection method: clinical testing. Allele origin: germline.

PreventionGenetics, part of Exact Sciences
Classification: Likely benign for CEP290-related condition. Last evaluated: 2020-06-22. Review status: no assertion criteria provided. Collection method: clinical testing. Allele origin: germline. Not counted in ClinVar's aggregate classification.
Comment: This variant is classified as likely benign based on ACMG/AMP sequence variant interpretation guidelines (Richards et al. 2015 PMID: 25741868, with internal and published modifications).

NM_025114.4(CEP290):c.6477T>A (p.Thr2159=)

Gene: CEP290 (centrosomal protein 290; minus strand). Cytogenetic location: 12q21.32.
Variant type: single nucleotide variant.
Coding change: c.6477T>A on transcript NM_025114.4 (MANE Select); coding-DNA position 6477, T replaced by A.
Protein change: p.Thr2159=; no amino-acid change (threonine 2159 retained).
Molecular consequence: synonymous variant.
Genome position (GRCh38, 1-based): chr12:88,060,875, A>T on the plus strand (T>A on the coding strand, the complement: CEP290 is on the minus strand). VCF-style: chr12-88060875-A-T. GRCh37 (hg19) VCF-style: chr12-88454652-A-T.
Other names: c.6477T>A (NM_025114.3).
Identifiers: ClinVar variation 811589 (VCV000811589.19), dbSNP rs556820066, ClinGen allele CA6711494.